The following is an entry in ClinVar:

NM_001077653.2(TBX20):c.551A>G (p.Tyr184Cys)

Gene: TBX20 (T-box transcription factor 20; minus strand). Cytogenetic location: 7p14.2.
Variant type: single nucleotide variant.
Coding change: c.551A>G on transcript NM_001077653.2 (MANE Select); coding-DNA position 551, A replaced by G.
Protein change: p.Tyr184Cys; replaces tyrosine 184 with cysteine.
Molecular consequence: missense variant.
Genome position (GRCh38, 1-based): chr7:35,245,052, T>C on the plus strand (A>G on the coding strand, the complement: TBX20 is on the minus strand). VCF-style: chr7-35245052-T-C. GRCh37 (hg19) VCF-style: chr7-35284664-T-C.
Other names: c.551A>G, p.Tyr184Cys (NM_001166220.1); short protein forms Y184C.
Identifiers: ClinVar variation 2628774 (VCV002628774.1), dbSNP rs1162498590, ClinGen allele CA367264494.

ClinVar aggregate classification (germline): Uncertain significance (1 of 4 stars; one submission).

Conditions:
TBX20-related disorder. Also called: TBX20-related condition.

Allele frequency attached by ClinVar (database versions not stated): gnomAD exomes below 0.00001.
gnomAD v4.1: 3 of 1,611,438 alleles (0.00019%); highest among the groups gnomAD compares: East Asian, 0.0022%; no homozygotes.

Submission:

PreventionGenetics, part of Exact Sciences
Classification: Uncertain significance for TBX20-related condition. Last evaluated: 2022-10-01. Review status: criteria provided, single submitter. Criteria: ACMG Guidelines, 2015. Collection method: clinical testing. Allele origin: germline.
Comment: The TBX20 c.551A>G variant is predicted to result in the amino acid substitution p.Tyr184Cys. To our knowledge, this variant has not been reported in the literature. This variant is reported in 0.0054% of alleles in individuals of East Asian descent in gnomAD. At this time, the clinical significance of this variant is uncertain due to the absence of conclusive functional and genetic evidence.